The following is an entry in ClinVar:

NM_001465.6(FYB1):c.2350A>G (p.Ile784Val)

Gene: FYB1 (FYN binding protein 1; minus strand). Cytogenetic location: 5p13.1.
Variant type: single nucleotide variant.
Coding change: c.2350A>G on transcript NM_001465.6 (MANE Select); coding-DNA position 2350, A replaced by G.
Protein change: p.Ile784Val; replaces isoleucine 784 with valine.
Molecular consequence: missense variant.
Genome position (GRCh38, 1-based): chr5:39,118,925, T>C on the plus strand (A>G on the coding strand, the complement: FYB1 is on the minus strand). VCF-style: chr5-39118925-T-C. GRCh37 (hg19) VCF-style: chr5-39119027-T-C.
Other names: c.2380A>G, p.Ile794Val (NM_001243093.2); c.2350A>G, p.Ile784Val (NM_001349333.2); c.2242A>G, p.Ile748Val (NM_018594.2); c.2212A>G, p.Ile738Val (NM_199335.5); c.2380A>G (NM_001243093.1); short protein forms I738V, I748V, I794V, I784V.
Identifiers: ClinVar variation 4970191 (VCV004970191.2).

ClinVar aggregate classification (germline): Conflicting classifications of pathogenicity. Review status: criteria provided, conflicting classifications (1 of 4 stars). 2 submissions from 2 submitters: Uncertain significance (1); Likely benign (1). Last evaluated 2026-01-27.

Conditions:
FYB1-related disorder. Also called: FYB1-related condition.

gnomAD v4.1: 92 of 1,565,408 alleles (0.0059%); highest among the groups gnomAD compares: African/African-American, 0.12%; no homozygotes.

Submissions (2):

PreventionGenetics, part of Exact Sciences
Classification: Likely benign for FYB1-related condition. Last evaluated: 2026-01-27. Review status: criteria provided, single submitter. Criteria: ACMG Guidelines, 2015. Collection method: clinical testing. Allele origin: germline.
Comment: This variant is classified as likely benign based on ACMG/AMP sequence variant interpretation guidelines (Richards et al. 2015 PMID: 25741868, with internal and published modifications).

Blueprint Genetics
Classification: Uncertain significance. Last evaluated: 2022-11-18. Review status: criteria provided, single submitter. Criteria: ACMG Guidelines, 2015. Collection method: clinical testing. Allele origin: germline.